The following is an entry in ClinVar:

ClinVar aggregate classification (germline): Uncertain significance (1 of 4 stars; one submission).

Conditions:
Episodic kinesigenic dyskinesia (EKD). Also called: Paroxysmal kinesigenic dyskinesia. Identifiers: Orphanet 98809, MedGen C1868682, MONDO:0044202.

Submission:

Labcorp Genetics (formerly Invitae), Labcorp
Classification: Uncertain significance for Episodic kinesigenic dyskinesia. Last evaluated: 2025-08-26. Review status: criteria provided, single submitter. Criteria: Invitae Variant Classification Sherloc (09022015). Collection method: clinical testing. Allele origin: germline.
Comment: This sequence change disrupts the translational stop signal of the PRRT2 mRNA. It is expected to extend the length of the PRRT2 protein by 259 additional amino acid residues. This variant is not present in population databases (gnomAD no frequency). This variant has not been reported in the literature in individuals affected with PRRT2-related conditions. Experimental studies and prediction algorithms are not available or were not evaluated, and the functional significance of this variant is currently unknown. In summary, the available evidence is currently insufficient to determine the role of this variant in disease. Therefore, it has been classified as a Variant of Uncertain Significance.

NM_145239.3(PRRT2):c.1021_*23del (p.Ter341ThrextTer?)

Genes: MVP-DT (MVP divergent transcript; minus strand), PRRT2 (proline rich transmembrane protein 2; plus strand). Cytogenetic location: 16p11.2.
Variant type: Deletion.
Coding change: c.1021_*23del on transcript NM_145239.3 (MANE Select); coding-DNA position 1021 through 23 bases downstream of the stop codon, 26 bases deleted (TGAGGGGCTCTGCCCCGCATCCCAAG).
Protein change: p.Ter341ThrextTer?.
Molecular consequence: frameshift variant, stop lost. On other transcripts: 3 prime UTR variant (2).
Genome position (GRCh38, 1-based): chr16:29,814,636-29,814,661, TGAGGGGCTCTGCCCCGCATCCCAAG deleted; deleting any 26 consecutive bases within chr16:29,814,633-29,814,661 gives the same sequence; the c. name uses the placement nearest the transcript's 3' end. VCF-style (leftmost placement, unchanged base first): chr16-29814632-TAAGTGAGGGGCTCTGCCCCGCATCCC-T. GRCh37 (hg19) VCF-style: chr16-29825953-TAAGTGAGGGGCTCTGCCCCGCATCCC-T.
Other names: c.1183_*23del, p.Ter395ThrextTer? (NM_001256442.2, NM_001438121.1); c.*682_*707del (NM_001256443.2, NM_001438122.1); c.1021_*23del, p.Ter341ThrextTer? (NM_001438120.1).
Identifiers: ClinVar variation 4726093 (VCV004726093.1).